The following is an entry in ClinVar:

NM_001111125.3(IQSEC2):c.2582+2T>C

Gene: IQSEC2 (IQ motif and Sec7 domain ArfGEF 2; minus strand). Cytogenetic location: Xp11.22.
Variant type: single nucleotide variant.
Coding change: c.2582+2T>C on transcript NM_001111125.3 (MANE Select); the canonical splice donor site of the intron after coding-DNA position 2582, T replaced by C.
Molecular consequence: splice donor variant.
Genome position (GRCh38, 1-based): chrX:53,248,112, A>G on the plus strand (T>C on the coding strand, the complement: IQSEC2 is on the minus strand). VCF-style: chrX-53248112-A-G. GRCh37 (hg19) VCF-style: chrX-53277294-A-G.
Other names: c.2582+2T>C (NM_001410736.1); c.1967+2T>C (NM_015075.2).
Identifiers: ClinVar variation 599451 (VCV000599451.5), dbSNP rs1569300277, ClinGen allele CA413156721.

ClinVar aggregate classification (germline): Pathogenic (1 of 4 stars; one submission).

Conditions:
Intellectual developmental disorder, X-linked 1. Also called: MENTAL RETARDATION, X-LINKED 18; MENTAL RETARDATION, X-LINKED 78; Atkin Flaitz Patil Smith syndrome; Intellectual disability, X-linked 1. Identifiers: Orphanet 777, MedGen C2931498, MONDO:0010656, OMIM 309530.

Submission:

Institute for Genomic Medicine (IGM) Clinical Laboratory, Nationwide Children's Hospital
Classification: Pathogenic for Intellectual developmental disorder, X-linked 1. Last evaluated: 2018-03-14. Review status: criteria provided, single submitter. Criteria: ACMG Guidelines, 2015. Collection method: clinical testing. Allele origin: germline. Affected: yes.
Comment: PVS1, PS2, PM2; This variant disrupts a canonical splice site in a gene where loss of function is a known mechanism of disease [ACMG: PVS1]. Sanger sequencing confirmed this to be a de novo alteration, as it was not detected in the submitted parental specimens (identity confirmed)[ACMG: PS2]. This previously undescribed alteration is absent from the Genome Aggregation Database (gnomAD; r2.0.2)[ACMG: PM2]. No evidence was found to support any of the ACMG Benign criteria; therefore, this alteration meets ACMG guidelines for classification as a pathogenic variant.